The following is an entry in ClinVar:

ClinVar aggregate classification (germline): Uncertain significance. Review status: criteria provided, multiple submitters, no conflicts (2 of 4 stars). 2 submissions from 2 submitters: Uncertain significance (2). Last evaluated 2025-09-17.

Conditions:
Autosomal recessive ataxia, Beauce type. Also called: SYNE1 Deficiency; Spinocerebellar ataxia, autosomal recessive 8; ATAXIA, RECESSIVE, OF BEAUCE; SYNE1-Related Autosomal Recessive Cerebellar Ataxia. Identifiers: Orphanet 88644, MedGen C1853116, MONDO:0012549, OMIM 610743.
Emery-Dreifuss muscular dystrophy 4, autosomal dominant (EDMD4). Also called: EMERY-DREIFUSS MUSCULAR DYSTROPHY 4 WITH VARIABLE FEATURES. Identifiers: Orphanet 261, MedGen C2751807, MONDO:0013071, OMIM 612998.

gnomAD v4.1: 1 of 1,613,948 alleles (0.000062%); highest among the groups gnomAD compares: South Asian, 0.0011%; no homozygotes.

Submissions (2):

Victorian Clinical Genetics Services, Murdoch Childrens Research Institute
Classification: Uncertain significance for Emery-Dreifuss muscular dystrophy 4, autosomal dominant. Last evaluated: 2025-09-17. Review status: criteria provided, single submitter. Criteria: ACMG Guidelines, 2015. Collection method: clinical testing. Allele origin: germline. Affected: yes.
Comment: This variant is classified as VUS-3B. Evidence in support of pathogenic classification: Variant is present in gnomAD <0.01 (v4: 1 heterozygote(s), 0 homozygote(s)). Additional information: Variant is predicted to result in a missense amino acid change from Leu to Val; This variant is non-coding in an alternative transcript. This variant is coding in the longest isoform, the MANE transcript NM_182961.4, but non-coding in the MANE clinical transcript NM_001347702.2, which is known to have variants associated with arthrogryposis multiplex congenita, myogenic type (MIM#618484); This variant is heterozygous; This gene is associated with both recessive and dominant disease. Monoallelic variants can cause Emery-Dreifuss muscular dystrophy 4 (MIM#612998), whereas biallelic variants can cause either myogenic type arthrogryposis multiplex congenita 3 (MIM#618484) or spinocerebellar ataxia 8 (MIM#610743). Variants causing arthrogryposis typically truncate the C-terminal KASH domain in the muscle-specific isoform, whereas variants associated with spinocerebellar ataxia affect the longest isoform (OMIM); Alternative amino acid change(s) at the same position are present in gnomAD (Highest alelle count: v4: 37 heterozygote(s), 0 homozygote(s)); Previous evidence of pathogenicity for this variant is inconclusive. This variant has been classified as a variant of uncertain significance by a clinical laboratory in ClinVar; No published evidence of segregation with disease has been identified for this variant; No published functional evidence has been identified for this variant; Another missense variant comparable to the one identified in this case has inconclusive previous evidence for pathogenicity. The p.(Leu7643Phe) variant has been classified as a variant of uncertain significance by a clinical laboratory in ClinVar; Variant is not located in an established domain, motif, hotspot or informative constraint region; Missense variant with inconclusive in silico prediction and uninformative conservation; Loss of function is a known mechanism of disease in this gene and is associated with autosomal recessive spinocerebellar ataxia 8 (MIM#610743); Inheritance information for this variant is not currently available in this individual.

Labcorp Genetics (formerly Invitae), Labcorp
Classification: Uncertain significance for Emery-Dreifuss muscular dystrophy 4, autosomal dominant; Autosomal recessive ataxia, Beauce type. Last evaluated: 2022-07-19. Review status: criteria provided, single submitter. Criteria: Invitae Variant Classification Sherloc (09022015). Collection method: clinical testing. Allele origin: germline.
Comment: In summary, the available evidence is currently insufficient to determine the role of this variant in disease. Therefore, it has been classified as a Variant of Uncertain Significance. Algorithms developed to predict the effect of missense changes on protein structure and function (SIFT, PolyPhen-2, Align-GVGD) all suggest that this variant is likely to be disruptive. This variant has not been reported in the literature in individuals affected with SYNE1-related conditions. This variant is not present in population databases (gnomAD no frequency). This sequence change replaces leucine, which is neutral and non-polar, with valine, which is neutral and non-polar, at codon 7572 of the SYNE1 protein (p.Leu7572Val).

NM_182961.4(SYNE1):c.22927T>G (p.Leu7643Val)

Gene: SYNE1 (spectrin repeat containing nuclear envelope protein 1; minus strand). Cytogenetic location: 6q25.2.
Variant type: single nucleotide variant.
Coding change: c.22927T>G on transcript NM_182961.4 (MANE Select); coding-DNA position 22927, T replaced by G.
Protein change: p.Leu7643Val; replaces leucine 7643 with valine.
Molecular consequence: missense variant.
Genome position (GRCh38, 1-based): chr6:152,206,260, A>C on the plus strand (T>G on the coding strand, the complement: SYNE1 is on the minus strand). VCF-style: chr6-152206260-A-C. GRCh37 (hg19) VCF-style: chr6-152527395-A-C.
Other names: c.22714T>G, p.Leu7572Val (NM_033071.5); short protein forms L7572V, L7643V.
Identifiers: ClinVar variation 2013671 (VCV002013671.6), dbSNP rs2551302495, ClinGen allele CA366094919.